The following is an entry in ClinVar:

ClinVar aggregate classification (germline): Benign/Likely benign. Review status: criteria provided, multiple submitters, no conflicts (2 of 4 stars). 7 submissions from 7 submitters: Benign (1); Likely benign (6). Last evaluated 2026-02-02.

Conditions:
Inborn genetic diseases. Identifiers: MedGen C0950123, MeSH D030342.
Koolen-de Vries syndrome (KDVS). Identifiers: Orphanet 96169, MedGen C1864871, MONDO:0012496, OMIM 610443.

Allele frequency attached by ClinVar (database versions not stated): 1000 Genomes Project 30x 0.00016; 1000 Genomes Project 0.00020; gnomAD 0.00053 and 0.00055; ESP Exome Variant Server 0.00077; gnomAD exomes 0.00060; ExAC 0.00075.
gnomAD v4.1: 1,522 of 1,613,776 alleles (0.094%); highest among the groups gnomAD compares: East Asian, 0.23%; 2 homozygotes.

Submissions (7):

Labcorp Genetics (formerly Invitae), Labcorp
Classification: Likely benign for Koolen-de Vries syndrome. Last evaluated: 2026-02-02. Review status: criteria provided, single submitter. Criteria: Invitae Variant Classification Sherloc (09022015). Collection method: clinical testing. Allele origin: germline.

CeGaT Center for Human Genetics Tuebingen
Classification: Likely benign. Last evaluated: 2025-09-01. Review status: criteria provided, single submitter. Criteria: CeGaT Center For Human Genetics Tuebingen Variant Classification Criteria Version 2. Collection method: clinical testing. Allele origin: germline. Affected: yes. Observed: 1 variant allele.
Comment: KANSL1: BP4, BS1

ARUP Laboratories, Molecular Genetics and Genomics, ARUP Laboratories
Classification: Likely benign for Koolen-de Vries syndrome. Last evaluated: 2024-05-21. Review status: criteria provided, single submitter. Criteria: ARUP Molecular Germline Variant Investigation Process 2024. Collection method: clinical testing. Allele origin: germline.

Ambry Genetics
Classification: Likely benign for Inborn genetic diseases. Last evaluated: 2022-01-25. Review status: criteria provided, single submitter. Criteria: Ambry Variant Classification Scheme 2023. Collection method: clinical testing. Allele origin: germline.

Fulgent Genetics
Classification: Likely benign for Koolen-de Vries syndrome. Last evaluated: 2021-11-05. Review status: criteria provided, single submitter. Criteria: ACMG Guidelines, 2015. Collection method: clinical testing. Allele origin: unknown.

GeneDx
Classification: Benign. Last evaluated: 2021-02-02. Review status: criteria provided, single submitter. Criteria: GeneDx Variant Classification Process June 2021. Collection method: clinical testing. Allele origin: germline. Affected: yes.
Comment: This variant is associated with the following publications: (PMID: 29352316)

Breakthrough Genomics
Classification: Likely benign. Review status: criteria provided, single submitter. Criteria: ACMG Guidelines, 2015. Collection method: not provided. Allele origin: germline. Inheritance: Autosomal dominant inheritance. Affected: yes.

Literature cited by the submitters: PubMed 29352316 (cited by Ambry Genetics).

NM_015443.4(KANSL1):c.688A>G (p.Asn230Asp)

Gene: KANSL1 (KAT8 regulatory NSL complex subunit 1). Cytogenetic location: 17q21.31.
Variant type: single nucleotide variant.
Coding change: c.688A>G on transcript NM_015443.4 (MANE Select); coding-DNA position 688, A replaced by G.
Protein change: p.Asn230Asp; replaces asparagine 230 with aspartic acid.
Molecular consequence: missense variant.
Genome position (GRCh38, 1-based): chr17:46,171,456, T>C on the plus strand (A>G on the coding strand, the complement: KANSL1 is on the minus strand). VCF-style: chr17-46171456-T-C. GRCh37 (hg19) VCF-style: chr17-44248822-T-C.
Other names: p.N230D:AAC>GAC; c.688A>G, p.Asn230Asp (NM_001193465.2, NM_001193466.2, NM_001379198.1); short protein forms N230D.
Identifiers: ClinVar variation 205774 (VCV000205774.24), dbSNP rs34756740, ClinGen allele CA315174.